The following is an entry in ClinVar:

NM_007286.6(SYNPO):c.548C>G (p.Pro183Arg)

Gene: SYNPO (synaptopodin; plus strand). Cytogenetic location: 5q33.1.
Variant type: single nucleotide variant.
Coding change: c.548C>G on transcript NM_007286.6 (MANE Select); coding-DNA position 548, C replaced by G.
Protein change: p.Pro183Arg; replaces proline 183 with arginine.
Molecular consequence: missense variant.
Genome position (GRCh38, 1-based): chr5:150,648,823, C>G. VCF-style: chr5-150648823-C-G. GRCh37 (hg19) VCF-style: chr5-150028385-C-G.
Other names: c.548C>G, p.Pro183Arg (NM_001109974.3); c.1280C>G, p.Pro427Arg (NM_001166208.2, NM_001166209.2); short protein forms P183R, P427R.
Identifiers: ClinVar variation 4759822 (VCV004759822.1).

ClinVar aggregate classification (germline): Uncertain significance (1 of 4 stars; one submission).

gnomAD v4.1: 1 of 1,614,252 alleles (0.000062%); highest among the groups gnomAD compares: Non-Finnish European, 0.000085%; no homozygotes.

Submission:

Labcorp Genetics (formerly Invitae), Labcorp
Classification: Uncertain significance. Last evaluated: 2025-04-23. Review status: criteria provided, single submitter. Criteria: Invitae Variant Classification Sherloc (09022015). Collection method: clinical testing. Allele origin: germline.
Comment: This sequence change replaces proline, which is neutral and non-polar, with arginine, which is basic and polar, at codon 183 of the SYNPO protein (p.Pro183Arg). This variant is present in population databases (rs370323025, gnomAD 0.0009%). This variant has not been reported in the literature in individuals affected with SYNPO-related conditions. An algorithm developed to predict the effect of missense changes on protein structure and function (PolyPhen-2) suggests that this variant is likely to be tolerated. In summary, the available evidence is currently insufficient to determine the role of this variant in disease. Therefore, it has been classified as a Variant of Uncertain Significance.